The following is an entry in ClinVar:

NM_021098.3(CACNA1H):c.4224-8C>G

Gene: CACNA1H (calcium voltage-gated channel subunit alpha1 H; plus strand). Cytogenetic location: 16p13.3.
Variant type: single nucleotide variant.
Coding change: c.4224-8C>G on transcript NM_021098.3 (MANE Select); 8 bases into the intron before coding-DNA position 4224, C replaced by G.
Molecular consequence: intron variant.
Genome position (GRCh38, 1-based): chr16:1,211,160, C>G. VCF-style: chr16-1211160-C-G. GRCh37 (hg19) VCF-style: chr16-1261160-C-G.
Other names: c.4224-8C>G (NM_001005407.2).
Identifiers: ClinVar variation 2938919 (VCV002938919.3), dbSNP rs568986803, ClinGen allele CA2740096811.

ClinVar aggregate classification (germline): Uncertain significance (1 of 4 stars; one submission).

Conditions:
Hyperaldosteronism, familial, type IV (HALD4). Also called: FH IV; ALDOSTERONISM, PRIMARY, AND HYPERTENSION. Identifiers: Orphanet 642671, MedGen C4310756, MONDO:0014875, OMIM 617027.
Idiopathic generalized epilepsy. Also called: EIG; Generalised epilepsy. Identifiers: MedGen C0270850, MONDO:0005579, OMIM 600669.

Submission:

Labcorp Genetics (formerly Invitae), Labcorp
Classification: Uncertain significance for Idiopathic generalized epilepsy; Hyperaldosteronism, familial, type IV. Last evaluated: 2023-09-29. Review status: criteria provided, single submitter. Criteria: Invitae Variant Classification Sherloc (09022015). Collection method: clinical testing. Allele origin: germline.
Comment: In summary, the available evidence is currently insufficient to determine the role of this variant in disease. Therefore, it has been classified as a Variant of Uncertain Significance. Algorithms developed to predict the effect of sequence changes on RNA splicing suggest that this variant may create or strengthen a splice site. This variant has not been reported in the literature in individuals affected with CACNA1H-related conditions. This variant is not present in population databases (gnomAD no frequency). This sequence change falls in intron 21 of the CACNA1H gene. It does not directly change the encoded amino acid sequence of the CACNA1H protein.